The following is an entry in ClinVar:

ClinVar aggregate classification (germline): Uncertain significance (1 of 4 stars; one submission).

Allele frequency attached by ClinVar (database versions not stated): ExAC 0.00009.
gnomAD v4.1: 30 of 700,346 alleles (0.0043%); highest among the groups gnomAD compares: Admixed American, 0.026%; no homozygotes.

Submission:

Labcorp Genetics (formerly Invitae), Labcorp
Classification: Uncertain significance. Last evaluated: 2022-07-12. Review status: criteria provided, single submitter. Criteria: Invitae Variant Classification Sherloc (09022015). Collection method: clinical testing. Allele origin: germline.
Comment: This variant occurs in the RNU4ATAC gene, which encodes an RNA molecule that does not result in a protein product. This variant is present in population databases (rs750878745, gnomAD 0.01%). This variant has not been reported in the literature in individuals affected with RNU4ATAC-related conditions. ClinVar contains an entry for this variant (Variation ID: 1373058). Experimental studies and prediction algorithms are not available or were not evaluated, and the functional significance of this variant is currently unknown. In summary, the available evidence is currently insufficient to determine the role of this variant in disease. Therefore, it has been classified as a Variant of Uncertain Significance.

NC_000002.12:g.121530964A>G

Genes: CLASP1-AS1 (CLASP1 antisense RNA 1; plus strand), RNU4ATAC (RNA, U4atac small nuclear; plus strand), CLASP1 (cytoplasmic linker associated protein 1; minus strand). Cytogenetic location: 2q14.2.
Variant type: single nucleotide variant.
Molecular consequence: intron variant (on NM_001395891.1).
Genome position: GRCh38 VCF-style: chr2-121530964-A-G. GRCh37 (hg19) VCF-style: chr2-122288540-A-G.
Other names: c.196-639T>C (NM_001142274.2, NM_015282.3, NM_001378003.1 and 5 more transcripts).
Identifiers: ClinVar variation 1373058 (VCV001373058.3), dbSNP rs750878745, ClinGen allele CA1854726.